The following is an entry in ClinVar:

NC_000006.11:g.(65532716_65596589)_(65767621_66005755)del

Gene: EYS (EGF-like photoreceptor maintenance factor; minus strand). Cytogenetic location: 6q12.
Variant type: Deletion.
Identifiers: ClinVar variation 4853104 (VCV004853104.1).

ClinVar aggregate classification (germline): Pathogenic (1 of 4 stars; one submission).

Conditions:
Retinitis pigmentosa (RP). Identifiers: Orphanet 791, MedGen C0035334, MeSH D012174, MONDO:0019200, OMIM 268000. Inheritance: Autosomal dominant, autosomal recessive and X linked inheritance.

Submission:

Women's Health and Genetics/Laboratory Corporation of America, LabCorp
Classification: Pathogenic for Retinitis pigmentosa. Last evaluated: 2026-05-29. Review status: criteria provided, single submitter. Criteria: LabCorp Variant Classification Summary - May 2015. Collection method: clinical testing. Allele origin: germline.
Comment: Variant summary: The variant involves the deletion of exons 13-19 in the EYS gene. A presumed nomenclature of c.(2023+1_2024-1)_(2992+1_2993-1)del has been designated for the purposes of this classification. This Copy Number Variant (CNV) is predicted to result in an in-frame deletion within this gene. Loss-of-function variants in this gene are known to be pathogenic. The variant was absent in 21694 control chromosomes. To our knowledge, no occurrence of c.(2023+1_2024-1)_(2992+1_2993-1)del in individuals affected with EYS-related conditions and no experimental evidence demonstrating its impact on protein function have been reported. At least one variant within the deleted region (c.2528G>A, p.Gly843Glu) has been classified as pathogenic by our lab. ClinVar contains an entry for this variant (Variation ID: 3246104). Based on the evidence outlined above, the variant was classified as pathogenic.